The following is an entry in ClinVar:

NM_018671.5(UNC45A):c.2585_2586del (p.His862fs)

Genes: RCCD1-AS1 (RCCD1 and UNC45A antisense RNA 1; minus strand), UNC45A (unc-45 myosin chaperone A; plus strand). Cytogenetic location: 15q26.1.
Variant type: Microsatellite.
Coding change: c.2585_2586del on transcript NM_018671.5 (MANE Select); coding-DNA positions 2585 to 2586, 2 bases deleted (AC; older notation c.2585_2586delAC).
Protein change: p.His862fs; shifts the reading frame from histidine 862.
Molecular consequence: frameshift variant.
Genome position (GRCh38, 1-based): chr15:90,953,466-90,953,467, AC deleted; deleting any 2 consecutive bases within chr15:90,953,461-90,953,467 gives the same sequence; the c. name uses the placement nearest the transcript's 3' end. VCF-style (leftmost placement, unchanged base first): chr15-90953460-CCA-C. GRCh37 (hg19) VCF-style: chr15-91496690-CCA-C.
Other names: c.2540_2541del, p.His847fs (NM_001039675.2, NM_001323621.2); c.2585_2586del, p.His862fs (NM_001323619.1); c.2150_2151del, p.His717fs (NM_001323620.2); c.2540_2541del (NM_001039675.1); short protein forms H717fs, H847fs, H862fs.
Identifiers: ClinVar variation 1466260 (VCV001466260.7), dbSNP rs774042284, ClinGen allele CA7743358.

ClinVar aggregate classification (germline): Conflicting classifications of pathogenicity. Review status: criteria provided, conflicting classifications (1 of 4 stars). 2 submissions from 2 submitters: Likely pathogenic (1); Uncertain significance (1). Last evaluated 2026-01-09.

Submissions (2):

GeneDx
Classification: Likely pathogenic. Last evaluated: 2026-01-09. Review status: criteria provided, single submitter. Criteria: GeneDx Variant Classification Process June 2021. Collection method: clinical testing. Allele origin: germline.
Comment: Frameshift variant predicted to result in abnormal protein length as the last 83 amino acids are replaced with 41 different amino acids, and other similar variants have been reported in HGMD; Has not been previously published as pathogenic or benign to our knowledge

Labcorp Genetics (formerly Invitae), Labcorp
Classification: Uncertain significance. Last evaluated: 2025-12-16. Review status: criteria provided, single submitter. Criteria: Invitae Variant Classification Sherloc (09022015). Collection method: clinical testing. Allele origin: germline.
Comment: This sequence change creates a premature translational stop signal (p.His862Leufs*42) in the UNC45A gene. While this is not anticipated to result in nonsense mediated decay, it is expected to disrupt the last 83 amino acid(s) of the UNC45A protein. This variant is present in population databases (rs774042284, gnomAD 0.009%). This variant has not been reported in the literature in individuals affected with UNC45A-related conditions. In summary, the available evidence is currently insufficient to determine the role of this variant in disease. Therefore, it has been classified as a Variant of Uncertain Significance.